The following is an entry in ClinVar:

ClinVar aggregate classification (germline): Uncertain significance (1 of 4 stars; one submission).

Submission:

Ambry Genetics
Classification: Uncertain significance. Last evaluated: 2022-08-30. Review status: criteria provided, single submitter. Criteria: Ambry Variant Classification Scheme 2023. Collection method: clinical testing. Allele origin: germline.
Comment: The p.S622L variant (also known as c.1865C>T), located in coding exon 12 of the POLQ gene, results from a C to T substitution at nucleotide position 1865. The serine at codon 622 is replaced by leucine, an amino acid with dissimilar properties. This amino acid position is conserved. In addition, the in silico prediction for this alteration is inconclusive. Since supporting evidence is limited at this time, the clinical significance of this alteration remains unclear.

NM_199420.4(POLQ):c.1865C>T (p.Ser622Leu)

Gene: POLQ (DNA polymerase theta; minus strand). Cytogenetic location: 3q13.33.
Variant type: single nucleotide variant.
Coding change: c.1865C>T on transcript NM_199420.4 (MANE Select); coding-DNA position 1865, C replaced by T.
Protein change: p.Ser622Leu; replaces serine 622 with leucine.
Molecular consequence: missense variant.
Genome position (GRCh38, 1-based): chr3:121,509,655, G>A on the plus strand (C>T on the coding strand, the complement: POLQ is on the minus strand). VCF-style: chr3-121509655-G-A. GRCh37 (hg19) VCF-style: chr3-121228502-G-A.
Other names: short protein forms S622L.
Identifiers: ClinVar variation 1781571 (VCV001781571.2), dbSNP rs2546802043, ClinGen allele CA354113787.